The following is an entry in ClinVar:

NM_001457.4(FLNB):c.5181+17T>C

Gene: FLNB (filamin B; plus strand). Cytogenetic location: 3p14.3.
Variant type: single nucleotide variant.
Coding change: c.5181+17T>C on transcript NM_001457.4 (MANE Select); 17 bases into the intron after coding-DNA position 5181, T replaced by C.
Molecular consequence: intron variant.
Genome position (GRCh38, 1-based): chr3:58,141,946, T>C. VCF-style: chr3-58141946-T-C. GRCh37 (hg19) VCF-style: chr3-58127673-T-C.
Other names: c.5274+17T>C (NM_001164317.2); c.5148+50T>C (NM_001164318.2); c.5110-704T>C (NM_001164319.2).
Identifiers: ClinVar variation 513232 (VCV000513232.4), dbSNP rs367874839, ClinGen allele CA2468974.

ClinVar aggregate classification (germline): Likely benign. Review status: criteria provided, multiple submitters, no conflicts (2 of 4 stars). 2 submissions from 2 submitters: Likely benign (2). Last evaluated 2024-09-03.

Allele frequency attached by ClinVar (database versions not stated): gnomAD 0.00001; gnomAD exomes 0.00001 and 0.00002; TOPMed 0.00001; ExAC 0.00002; ESP Exome Variant Server 0.00008.

Submissions (2):

Labcorp Genetics (formerly Invitae), Labcorp
Classification: Likely benign. Last evaluated: 2024-09-03. Review status: criteria provided, single submitter. Criteria: Invitae Variant Classification Sherloc (09022015). Collection method: clinical testing. Allele origin: germline.

GeneDx
Classification: Likely benign. Last evaluated: 2017-11-06. Review status: criteria provided, single submitter. Criteria: GeneDx Variant Classification (06012015). Collection method: clinical testing. Allele origin: germline. Affected: yes.
Comment: This variant is considered likely benign or benign based on one or more of the following criteria: it is a conservative change, it occurs at a poorly conserved position in the protein, it is predicted to be benign by multiple in silico algorithms, and/or has population frequency not consistent with disease.